The following is an entry in ClinVar:

ClinVar aggregate classification (germline): Uncertain significance (1 of 4 stars; one submission).

Conditions:
Cardiovascular phenotype. Identifiers: MedGen CN230736.

gnomAD v4.1: 1 of 1,614,056 alleles (0.000062%); highest among the groups gnomAD compares: South Asian, 0.0011%; no homozygotes.

Submission:

Ambry Genetics
Classification: Uncertain significance for Cardiovascular phenotype. Last evaluated: 2025-10-29. Review status: criteria provided, single submitter. Criteria: Ambry Variant Classification Scheme 2023. Collection method: clinical testing. Allele origin: germline.
Comment: The p.S728G variant (also known as c.2182A>G), located in coding exon 16 of the TRPM4 gene, results from an A to G substitution at nucleotide position 2182. The serine at codon 728 is replaced by glycine, an amino acid with similar properties. This amino acid position is conserved. In addition, this alteration is predicted to be tolerated by in silico analysis. Based on the available evidence, the clinical significance of this variant remains unclear.

NM_017636.4(TRPM4):c.2182A>G (p.Ser728Gly)

Gene: TRPM4 (transient receptor potential cation channel subfamily M member 4; plus strand). Cytogenetic location: 19q13.33.
Variant type: single nucleotide variant.
Coding change: c.2182A>G on transcript NM_017636.4 (MANE Select); coding-DNA position 2182, A replaced by G.
Protein change: p.Ser728Gly; replaces serine 728 with glycine.
Molecular consequence: missense variant.
Genome position (GRCh38, 1-based): chr19:49,190,745, A>G. VCF-style: chr19-49190745-A-G. GRCh37 (hg19) VCF-style: chr19-49694002-A-G.
Other names: c.2182A>G, p.Ser728Gly (NM_001195227.2); c.1837A>G, p.Ser613Gly (NM_001321281.2); c.574A>G, p.Ser192Gly (NM_001321282.2); c.1660A>G, p.Ser554Gly (NM_001321283.2); c.1120A>G, p.Ser374Gly (NM_001321285.2); short protein forms S613G, S374G, S554G, S192G, S728G.
Identifiers: ClinVar variation 4615272 (VCV004615272.1).